The following is an entry in ClinVar:

NM_032520.5(GNPTG):c.714del (p.Phe239fs)

Gene: GNPTG (N-acetylglucosamine-1-phosphate transferase subunit gamma; plus strand). Cytogenetic location: 16p13.3.
Variant type: Deletion.
Coding change: c.714del on transcript NM_032520.5 (MANE Select); coding-DNA position 714, one base deleted (G; older notation c.714delG).
Protein change: p.Phe239fs; shifts the reading frame from phenylalanine 239.
Molecular consequence: frameshift variant.
Genome position (GRCh38, 1-based): chr16:1,362,715, G deleted; the last of 4 consecutive G bases (chr16:1,362,712-1,362,715); deleting any one gives the same sequence. VCF-style (leftmost placement, unchanged base first): chr16-1362711-TG-T. GRCh37 (hg19) VCF-style: chr16-1412712-TG-T.
Other names: c.714delG (NM_032520.5, NM_032520.4); short protein forms F239fs.
Identifiers: ClinVar variation 861787 (VCV000861787.9), dbSNP rs776107971, ClinGen allele CA7807892.
Genomic context (GRCh38, chr16:1,362,711, plus strand): 5'-GCTACTTAAAGACCCCAGAAGAAAATGAACCCACCCAGCTGGAGGGAGGTCCTGACAGCT[TG>T]GGGTTTGAGACCCTGGAAAACTGCAGGAAGGTACCGTATTGGGGGGAGGTGGTGGCACGC-3'

ClinVar aggregate classification (germline): Pathogenic/Likely pathogenic. Review status: criteria provided, multiple submitters, no conflicts (2 of 4 stars). 3 submissions from 3 submitters: Pathogenic (2); Likely pathogenic (1). Last evaluated 2026-01-15.

Conditions:
GNPTG-mucolipidosis. Also called: MUCOLIPIDOSIS III, COMPLEMENTATION GROUP C; MUCOLIPIDOSIS III, IRANIAN VARIANT FORM; MUCOLIPIDOSIS III, VARIANT FORM; Mucolipidosis type III gamma; ML III GAMMA; ML IIIC. Identifiers: Orphanet 423470, Orphanet 577, MedGen C1854896, MONDO:0009652, OMIM 252605.

Submissions (3):

Labcorp Genetics (formerly Invitae), Labcorp
Classification: Pathogenic. Last evaluated: 2026-01-15. Review status: criteria provided, single submitter. Criteria: Invitae Variant Classification Sherloc (09022015). Collection method: clinical testing. Allele origin: germline.
Comment: This sequence change creates a premature translational stop signal (p.Phe239Leufs*21) in the GNPTG gene. It is expected to result in an absent or disrupted protein product. Loss-of-function variants in GNPTG are known to be pathogenic (PMID: 19370764, 20301784). This variant is present in population databases (rs776107971, gnomAD 0.006%). This variant has not been reported in the literature in individuals affected with GNPTG-related conditions. ClinVar contains an entry for this variant (Variation ID: 861787). For these reasons, this variant has been classified as Pathogenic.

Natera, Inc.
Classification: Likely pathogenic for Mucolipidosis III gamma. Last evaluated: 2025-12-17. Review status: criteria provided, single submitter. Criteria: Natera Variant Classification Schema (03/2026). Collection method: clinical testing. Allele origin: germline.
Comment: The c.714delG variant in GNPTG is a frameshift variant predicted to shift the reading frame beginning at codon 239 and leads to a stop codon 21 codons downstream. This variant is expected to result in nonsense mediated decay, truncation, or a dysfunctional protein product. This variant is rare in the general population with a frequency below the threshold expected for the associated phenotype(s). Given the available evidence, this variant is classified as Likely Pathogenic.

Women's Health and Genetics/Laboratory Corporation of America, LabCorp
Classification: Pathogenic for GNPTG-mucolipidosis. Last evaluated: 2025-12-08. Review status: criteria provided, single submitter. Criteria: LabCorp Variant Classification Summary - May 2015. Collection method: clinical testing. Allele origin: germline.
Comment: Variant summary: GNPTG c.714delG (p.Phe239LeufsX21) results in a premature termination codon, predicted to cause a truncation of the encoded protein or absence of the protein due to nonsense mediated decay, which are commonly known mechanisms for disease. The variant allele was found at a frequency of 3.2e-05 in 251272 control chromosomes (gnomAD). To our knowledge, no occurrence of c.714delG in individuals affected with GNPTG-related conditions and no experimental evidence demonstrating its impact on protein function have been reported. ClinVar contains an entry for this variant (Variation ID: 861787). Based on the evidence outlined above, the variant was classified as pathogenic.

Literature cited by the submitters: PubMed 19370764 (cited by Labcorp Genetics (formerly Invitae), Labcorp); PubMed 20301784 (cited by Labcorp Genetics (formerly Invitae), Labcorp).